The following is an entry in ClinVar:

NM_002474.3(MYH11):c.530+1G>A

Gene: MYH11 (myosin heavy chain 11; minus strand). Cytogenetic location: 16p13.11.
Variant type: single nucleotide variant.
Coding change: c.530+1G>A on transcript NM_002474.3 (MANE Select); the canonical splice donor site of the intron after coding-DNA position 530, G replaced by A.
Molecular consequence: splice donor variant.
Genome position (GRCh38, 1-based): chr16:15,798,659, C>T on the plus strand (G>A on the coding strand, the complement: MYH11 is on the minus strand). VCF-style: chr16-15798659-C-T. GRCh37 (hg19) VCF-style: chr16-15892516-C-T.
Other names: NC_000016.9:g.15892516C>T; c.530+1G>A (NM_022844.3, NM_001040114.2, NM_001040113.2).
Identifiers: ClinVar variation 4408400 (VCV004408400.2).

ClinVar aggregate classification (germline): Uncertain significance (1 of 4 stars; one submission).

Conditions:
Familial thoracic aortic aneurysm and aortic dissection (TAAD). Also called: Thoracic aortic aneurysms and dissections. Identifiers: Orphanet 91387, MedGen C4707243, MONDO:0019625.

gnomAD v4.1: 2 of 1,594,034 alleles (0.00013%); highest among the groups gnomAD compares: Non-Finnish European, 0.00017%; no homozygotes.

Submissions (2):

Color Diagnostics, LLC DBA Color Health
Classification: Uncertain significance for Familial thoracic aortic aneurysm and aortic dissection. Last evaluated: 2025-07-09. Review status: criteria provided, single submitter. Criteria: ACMG Guidelines, 2015. Collection method: clinical testing. Allele origin: germline.
Comment: This variant causes a G to A nucleotide substitution at the +1 position of intron 4 of the MYH11 gene. Splice site prediction tools suggest that this variant may have a significant impact on RNA splicing. Although this prediction has not been confirmed in published RNA studies, this variant is expected to result in an absent or disrupted protein product. This variant has not been reported in individuals affected with MYH11-related disorders in the literature. This variant has not been identified in the general population by the Genome Aggregation Database (gnomAD). Clinical relevance of loss-of-function MYH11 truncation and splice variants in autosomal dominant cardiovascular disorders is not clearly established. The available evidence is insufficient to determine the role of this variant in disease conclusively. Therefore, this variant is classified as a Variant of Uncertain Significance.

Dr. Peter K. Rogan Lab, Western University
No classification provided (evidence only). Condition: Nonpapillary renal cell carcinoma. Review status: no classification provided. Collection method: in vitro. Allele origin: not applicable. Functional consequence: retained intron. Not counted in ClinVar's aggregate classification.